The following is an entry in ClinVar:

NM_001376.5(DYNC1H1):c.12449C>T (p.Pro4150Leu)

Gene: DYNC1H1 (dynein cytoplasmic 1 heavy chain 1; plus strand). Cytogenetic location: 14q32.31.
Variant type: single nucleotide variant.
Coding change: c.12449C>T on transcript NM_001376.5 (MANE Select); coding-DNA position 12449, C replaced by T.
Protein change: p.Pro4150Leu; replaces proline 4150 with leucine.
Molecular consequence: missense variant.
Genome position (GRCh38, 1-based): chr14:102,042,684, C>T. VCF-style: chr14-102042684-C-T. GRCh37 (hg19) VCF-style: chr14-102509021-C-T.
Other names: short protein forms P4150L.
Identifiers: ClinVar variation 2113937 (VCV002113937.4), dbSNP rs2503860116, ClinGen allele CA391041485.
Genomic context (GRCh38, chr14:102,042,684, plus strand): 5'-CTCTCCCTTAGGTGCCTGTGAATCTGCTCCGTGCGGGCCGCATCTTTGTGTTCGAGCCAC[C>T]GCCAGGGGTGAAGGCCAACATGCTGAGGACGTTCAGCAGCATTCCCGTCTCACGGATATG-3'
Protein context (NP_001367.2, residues 4140-4160): RAGRIFVFEP[Pro4150Leu]PGVKANMLRT

ClinVar aggregate classification (germline): Uncertain significance (1 of 4 stars; one submission).

Conditions:
Charcot-Marie-Tooth disease axonal type 2O. Also called: Charcot-Marie-Tooth disease, axonal, type 20; CHARCOT-MARIE-TOOTH NEUROPATHY, AXONAL, TYPE 2O; CHARCOT-MARIE-TOOTH DISEASE, AXONAL, AUTOSOMAL DOMINANT, TYPE 2O; Charcot-Marie-Tooth Neuropathy Type 2O. Identifiers: Orphanet 284232, MedGen C3280220, MONDO:0013644, OMIM 614228.

Allele frequency attached by ClinVar (database versions not stated): gnomAD exomes below 0.00001.
gnomAD v4.1: 1 of 1,614,176 alleles (0.000062%); highest among the groups gnomAD compares: Non-Finnish European, 0.000085%; no homozygotes.

Submission:

Labcorp Genetics (formerly Invitae), Labcorp
Classification: Uncertain significance for Charcot-Marie-Tooth disease axonal type 2O. Last evaluated: 2022-03-18. Review status: criteria provided, single submitter. Criteria: Invitae Variant Classification Sherloc (09022015). Collection method: clinical testing. Allele origin: germline.
Comment: This sequence change replaces proline, which is neutral and non-polar, with leucine, which is neutral and non-polar, at codon 4150 of the DYNC1H1 protein (p.Pro4150Leu). This variant is not present in population databases (gnomAD no frequency). This variant has not been reported in the literature in individuals affected with DYNC1H1-related conditions. Algorithms developed to predict the effect of missense changes on protein structure and function are either unavailable or do not agree on the potential impact of this missense change (SIFT: "Deleterious"; PolyPhen-2: "Probably Damaging"; Align-GVGD: "Class C15"). In summary, the available evidence is currently insufficient to determine the role of this variant in disease. Therefore, it has been classified as a Variant of Uncertain Significance.